The following is an entry in ClinVar:

ClinVar aggregate classification (germline): Uncertain significance (1 of 4 stars; one submission).

Submission:

Women's Health and Genetics/Laboratory Corporation of America, LabCorp
Classification: Uncertain significance. Last evaluated: 2026-03-20. Review status: criteria provided, single submitter. Criteria: LabCorp Variant Classification Summary - May 2015. Collection method: clinical testing. Allele origin: germline.
Comment: Variant summary: HK1 c.1781C>G (p.Pro594Arg) results in a non-conservative amino acid change in the encoded protein sequence. Algorithms developed to predict the effect of missense changes on protein structure and function all suggest that this variant is likely to be disruptive. The variant was absent in 251496 control chromosomes. The available data on variant occurrences in the general population are insufficient to allow any conclusion about variant significance. To our knowledge, no occurrence of c.1781C>G in individuals affected with HK1-related conditions and no experimental evidence demonstrating its impact on protein function have been reported. No submitters have cited clinical-significance assessments for this variant to ClinVar. Based on the evidence outlined above, the variant was classified as uncertain significance.

NM_000188.3(HK1):c.1781C>G (p.Pro594Arg)

Gene: HK1 (hexokinase 1; plus strand). Cytogenetic location: 10q22.1.
Variant type: single nucleotide variant.
Coding change: c.1781C>G on transcript NM_000188.3 (MANE Select); coding-DNA position 1781, C replaced by G.
Protein change: p.Pro594Arg; replaces proline 594 with arginine.
Molecular consequence: missense variant. On other transcripts: non-coding transcript variant (2), intron variant (1).
Genome position (GRCh38, 1-based): chr10:69,384,857, C>G. VCF-style: chr10-69384857-C-G. GRCh37 (hg19) VCF-style: chr10-71144613-C-G.
Other names: c.1719+376C>G (NM_001441145.1); c.1778C>G, p.Pro593Arg (NM_033496.3); c.1793C>G, p.Pro598Arg (NM_033497.3, NM_033498.3, NM_001322364.2 and 1 more transcripts); c.1745C>G, p.Pro582Arg (NM_033500.2); c.1886C>G, p.Pro629Arg (NM_001322365.2); c.1697C>G, p.Pro566Arg (NM_001322366.1, NM_001441143.1); c.1685C>G, p.Pro562Arg (NM_001322367.1); c.1781C>G, p.Pro594Arg (NM_001441139.1, NM_001441141.1, NM_001441146.1 and 1 more transcripts); and 9 more; short protein forms P258R, P356R, P381R, P464R, P472R, P520R, P554R, P562R.
Identifiers: ClinVar variation 4847062 (VCV004847062.1).